The following is an entry in ClinVar:

ClinVar aggregate classification (germline): Uncertain significance. Review status: criteria provided, multiple submitters, no conflicts (2 of 4 stars). 3 submissions from 3 submitters: Uncertain significance (3). Last evaluated 2025-08-09.

Conditions:
Intellectual developmental disorder, autosomal dominant 65. Also called: MENTAL RETARDATION, AUTOSOMAL DOMINANT 65. Identifiers: MedGen C5543371, MONDO:0023657, OMIM 619320.
Inborn genetic diseases. Identifiers: MedGen C0950123, MeSH D030342.

Allele frequency attached by ClinVar (database versions not stated): gnomAD 0.00001; gnomAD exomes 0.00001; TOPMed 0.00001; ESP Exome Variant Server 0.00008.
gnomAD v4.1: 5 of 1,613,754 alleles (0.00031%); highest among the groups gnomAD compares: Non-Finnish European, 0.00034%; no homozygotes.

Submissions (3):

Ambry Genetics
Classification: Uncertain significance for Inborn genetic diseases. Last evaluated: 2025-08-09. Review status: criteria provided, single submitter. Criteria: Ambry Variant Classification Scheme 2023. Collection method: clinical testing. Allele origin: germline.

Women's Health and Genetics/Laboratory Corporation of America, LabCorp
Classification: Uncertain significance. Last evaluated: 2024-02-02. Review status: criteria provided, single submitter. Criteria: LabCorp Variant Classification Summary - May 2015. Collection method: clinical testing. Allele origin: germline.
Comment: Variant summary: JMJD2B c.520A>G (p.Thr174Ala) results in a non-conservative amino acid change located in the JmjC domain (IPR003347) of the encoded protein sequence. Five of five in-silico tools predict a damaging effect of the variant on protein function. The variant was absent in 780644 control chromosomes (gnomAD). The available data on variant occurrences in the general population are insufficient to allow any conclusion about variant significance. To our knowledge, no occurrence of c.520A>G in individuals affected with Intellectual Developmental Disorder, Autosomal Dominant 65 and no experimental evidence demonstrating its impact on protein function have been reported. ClinVar contains an entry for this variant (Variation ID: 2671922). Based on the evidence outlined above, the variant was classified as uncertain significance.

Baylor Genetics
Classification: Uncertain significance for Intellectual developmental disorder, autosomal dominant 65. Last evaluated: 2023-10-17. Review status: criteria provided, single submitter. Criteria: ACMG Guidelines, 2015. Collection method: clinical testing. Allele origin: unknown.

NM_015015.3(KDM4B):c.520A>G (p.Thr174Ala)

Gene: KDM4B (lysine demethylase 4B; plus strand). Cytogenetic location: 19p13.3.
Variant type: single nucleotide variant.
Coding change: c.520A>G on transcript NM_015015.3 (MANE Select); coding-DNA position 520, A replaced by G.
Protein change: p.Thr174Ala; replaces threonine 174 with alanine.
Molecular consequence: missense variant.
Genome position (GRCh38, 1-based): chr19:5,047,563, A>G. VCF-style: chr19-5047563-A-G. GRCh37 (hg19) VCF-style: chr19-5047574-A-G.
Other names: c.520A>G, p.Thr174Ala (NM_001370093.1, NM_001370094.1, NM_001411148.1); c.520A>G (NM_015015.2); short protein forms T174A.
Identifiers: ClinVar variation 2671922 (VCV002671922.4), dbSNP rs144944237, ClinGen allele CA304569627.